The following is an entry in ClinVar:

ClinVar aggregate classification (germline): Likely benign. Review status: criteria provided, single submitter (1 of 4 stars). 2 submissions from 2 submitters: Likely benign (1). 1 of the submissions does not count toward it. Last evaluated 2024-05-15.

Conditions:
CEP250-related disorder. Also called: CEP250-related condition.

Allele frequency attached by ClinVar (database versions not stated): ExAC 0.00001; gnomAD 0.00001; gnomAD exomes 0.00001.
gnomAD v4.1: 5 of 1,613,004 alleles (0.00031%); highest among the groups gnomAD compares: Admixed American, 0.0083%; no homozygotes.

Submissions (2):

Labcorp Genetics (formerly Invitae), Labcorp
Classification: Likely benign. Last evaluated: 2024-05-15. Review status: criteria provided, single submitter. Criteria: Invitae Variant Classification Sherloc (09022015). Collection method: clinical testing. Allele origin: germline.

PreventionGenetics, part of Exact Sciences
Classification: Likely benign for CEP250-related condition. Last evaluated: 2019-02-28. Review status: no assertion criteria provided. Collection method: clinical testing. Allele origin: germline. Not counted in ClinVar's aggregate classification.
Comment: This variant is classified as likely benign based on ACMG/AMP sequence variant interpretation guidelines (Richards et al. 2015 PMID: 25741868, with internal and published modifications).

NM_007186.6(CEP250):c.1371G>A (p.Glu457=)

Genes: CEP250-AS1 (CEP250 antisense RNA 1; minus strand), CEP250 (centrosomal protein 250; plus strand). Cytogenetic location: 20q11.22.
Variant type: single nucleotide variant.
Coding change: c.1371G>A on transcript NM_007186.6 (MANE Select); coding-DNA position 1371, G replaced by A.
Protein change: p.Glu457=; no amino-acid change (glutamic acid 457 retained).
Molecular consequence: synonymous variant. On other transcripts: non-coding transcript variant (7), 5 prime UTR variant (1).
Genome position (GRCh38, 1-based): chr20:35,473,535, G>A. VCF-style: chr20-35473535-G-A. GRCh37 (hg19) VCF-style: chr20-34061360-G-A.
Other names: c.-529G>A (NM_001318219.1).
Identifiers: ClinVar variation 3046715 (VCV003046715.4), dbSNP rs774656191, ClinGen allele CA9832895.